The following is an entry in ClinVar:

NM_000548.5(TSC2):c.3545A>C (p.Asn1182Thr)

Gene: TSC2 (TSC complex subunit 2; plus strand). Cytogenetic location: 16p13.3.
Variant type: single nucleotide variant.
Coding change: c.3545A>C on transcript NM_000548.5 (MANE Select); coding-DNA position 3545, A replaced by C.
Protein change: p.Asn1182Thr; replaces asparagine 1182 with threonine.
Molecular consequence: missense variant.
Genome position (GRCh38, 1-based): chr16:2,080,312, A>C. VCF-style: chr16-2080312-A-C. GRCh37 (hg19) VCF-style: chr16-2130313-A-C.
Other names: c.3356A>C, p.Asn1119Thr (NM_001406677.1); c.3302A>C, p.Asn1101Thr (NM_001406678.1); c.3266A>C, p.Asn1089Thr (NM_001406679.1); c.2945A>C, p.Asn982Thr (NM_001406680.1, NM_001406682.1, NM_001406683.1); c.2954A>C, p.Asn985Thr (NM_001406681.1); c.2942A>C, p.Asn981Thr (NM_001406684.1); c.2816A>C, p.Asn939Thr (NM_001406685.1, NM_001406686.1); c.3413A>C, p.Asn1138Thr (NM_001077183.3, NM_001370404.1, NM_001406665.1); and 18 more; short protein forms N1101T, N1119T, N1149T, N1168T, N1169T, N939T, N985T, N1089T.
Identifiers: ClinVar variation 2192442 (VCV002192442.4), dbSNP rs2089974168, ClinGen allele CA394289487.

ClinVar aggregate classification (germline): Uncertain significance (1 of 4 stars; one submission).

Conditions:
Tuberous sclerosis 2 (TSC2). Identifiers: Orphanet 805, MedGen C1860707, MONDO:0013199, OMIM 613254.

Submission:

Labcorp Genetics (formerly Invitae), Labcorp
Classification: Uncertain significance for Tuberous sclerosis 2. Last evaluated: 2025-12-21. Review status: criteria provided, single submitter. Criteria: Invitae Variant Classification Sherloc (09022015). Collection method: clinical testing. Allele origin: germline.
Comment: This sequence change replaces asparagine, which is neutral and polar, with threonine, which is neutral and polar, at codon 1182 of the TSC2 protein (p.Asn1182Thr). This variant is not present in population databases (gnomAD no frequency). This variant has not been reported in the literature in individuals affected with TSC2-related conditions. ClinVar contains an entry for this variant (Variation ID: 2192442). Invitae Evidence Modeling of protein sequence and biophysical properties (such as structural, functional, and spatial information, amino acid conservation, physicochemical variation, residue mobility, and thermodynamic stability) indicates that this missense variant is not expected to disrupt TSC2 protein function with a negative predictive value of 95%. In summary, the available evidence is currently insufficient to determine the role of this variant in disease. Therefore, it has been classified as a Variant of Uncertain Significance.